The following is an entry in ClinVar:

ClinVar aggregate classification (germline): Pathogenic (1 of 4 stars; one submission).

Conditions:
Early-infantile DEE. Also called: Early infantile epileptic encephalopathy; Early infantile epileptic encephalopathy with suppression bursts; Ohtahara syndrome. Identifiers: Orphanet 1934, MedGen C0393706, MONDO:0800491.

Submission:

Labcorp Genetics (formerly Invitae), Labcorp
Classification: Pathogenic for Early-infantile DEE. Last evaluated: 2022-10-29. Review status: criteria provided, single submitter. Criteria: Invitae Variant Classification Sherloc (09022015). Collection method: clinical testing. Allele origin: germline.
Comment: For these reasons, this variant has been classified as Pathogenic. This premature translational stop signal has been observed in individual(s) with Dravet syndrome (PMID: 28012175, 34055682). In at least one individual the variant was observed to be de novo. This variant is not present in population databases (gnomAD no frequency). This sequence change creates a premature translational stop signal (p.Leu1111Tyrfs*12) in the SCN1A gene. It is expected to result in an absent or disrupted protein product. Loss-of-function variants in SCN1A are known to be pathogenic (PMID: 17347258, 18930999).

Literature cited by the submitters: PubMed 28012175; PubMed 34055682; PubMed 17347258; PubMed 18930999.

NM_001165963.4(SCN1A):c.3327_3328del (p.Leu1111fs)

Genes: SCN1A (sodium voltage-gated channel alpha subunit 1; minus strand), LOC102724058 (uncharacterized LOC102724058; plus strand). Cytogenetic location: 2q24.3.
Variant type: Deletion.
Coding change: c.3327_3328del on transcript NM_001165963.4 (MANE Select); coding-DNA positions 3327 to 3328, 2 bases deleted (CA; older notation c.3327_3328delCA).
Protein change: p.Leu1111fs; shifts the reading frame from leucine 1111.
Molecular consequence: frameshift variant. On other transcripts: non-coding transcript variant (2).
Genome position (GRCh38, 1-based): chr2:166,036,149-166,036,150, TG deleted on the plus strand (CA on the coding strand, the reverse complement: SCN1A is on the minus strand). VCF-style (leftmost placement, unchanged base first): chr2-166036148-CTG-C. GRCh37 (hg19) VCF-style: chr2-166892658-CTG-C.
Other names: c.3243_3244del, p.Leu1083fs (NM_001165964.3, NM_001353957.2, NM_001353958.2); c.3327_3328del, p.Leu1111fs (NM_001202435.3, NM_001353948.2); c.3294_3295del, p.Leu1100fs (NM_001353949.2, NM_001353950.2, NM_001353951.2 and 2 more transcripts); c.3291_3292del, p.Leu1099fs (NM_001353954.2, NM_001353955.2); c.3240_3241del, p.Leu1082fs (NM_001353960.2); c.885_886del, p.Leu297fs (NM_001353961.2); short protein forms L1082fs, L1083fs, L1111fs, L1099fs, L1100fs, L297fs.
Identifiers: ClinVar variation 2734304 (VCV002734304.3), dbSNP rs2468075934, ClinGen allele CA2586970463.